The following is an entry in ClinVar:

NM_020745.4(AARS2):c.923G>A (p.Arg308Gln)

Gene: AARS2 (alanyl-tRNA synthetase 2, mitochondrial; minus strand). Cytogenetic location: 6p21.1.
Variant type: single nucleotide variant.
Coding change: c.923G>A on transcript NM_020745.4 (MANE Select); coding-DNA position 923, G replaced by A.
Protein change: p.Arg308Gln; replaces arginine 308 with glutamine.
Molecular consequence: missense variant.
Genome position (GRCh38, 1-based): chr6:44,307,366, C>T on the plus strand (G>A on the coding strand, the complement: AARS2 is on the minus strand). VCF-style: chr6-44307366-C-T. GRCh37 (hg19) VCF-style: chr6-44275103-C-T.
Other names: short protein forms R308Q.
Identifiers: ClinVar variation 1490700 (VCV001490700.8), dbSNP rs368473952, ClinGen allele CA3834511.

ClinVar aggregate classification (germline): Uncertain significance. Review status: criteria provided, multiple submitters, no conflicts (2 of 4 stars). 2 submissions from 2 submitters: Uncertain significance (2). Last evaluated 2024-01-22.

Conditions:
Inborn genetic diseases. Identifiers: MedGen C0950123, MeSH D030342.

Allele frequency attached by ClinVar (database versions not stated): gnomAD 0.00001; TOPMed 0.00002; ESP Exome Variant Server 0.00008.
gnomAD v4.1: 9 of 1,608,856 alleles (0.00056%); highest among the groups gnomAD compares: African/African-American, 0.004%; no homozygotes.

Submissions (3):

Labcorp Genetics (formerly Invitae), Labcorp
Classification: Uncertain significance. Last evaluated: 2024-01-22. Review status: criteria provided, single submitter. Criteria: Invitae Variant Classification Sherloc (09022015). Collection method: clinical testing. Allele origin: germline.
Comment: This sequence change replaces arginine, which is basic and polar, with glutamine, which is neutral and polar, at codon 308 of the AARS2 protein (p.Arg308Gln). This variant is present in population databases (rs368473952, gnomAD 0.003%). This variant has not been reported in the literature in individuals affected with AARS2-related conditions. ClinVar contains an entry for this variant (Variation ID: 1490700). Advanced modeling of protein sequence and biophysical properties (such as structural, functional, and spatial information, amino acid conservation, physicochemical variation, residue mobility, and thermodynamic stability) performed at Invitae indicates that this missense variant is not expected to disrupt AARS2 protein function with a negative predictive value of 95%. In summary, the available evidence is currently insufficient to determine the role of this variant in disease. Therefore, it has been classified as a Variant of Uncertain Significance.

Ambry Genetics
Classification: Uncertain significance for Inborn genetic diseases. Last evaluated: 2022-11-18. Review status: criteria provided, single submitter. Criteria: Ambry Variant Classification Scheme 2023. Collection method: clinical testing. Allele origin: germline.

Dr. Peter K. Rogan Lab, Western University
No classification provided (evidence only). Condition: Lymphoma. Review status: no classification provided. Collection method: in vitro. Allele origin: not applicable. Functional consequence: retained intron. Not counted in ClinVar's aggregate classification.